The following is an entry in ClinVar:

ClinVar aggregate classification (germline): Pathogenic (1 of 4 stars; one submission).

Conditions:
Citrin deficiency. Identifiers: Orphanet 247582, MedGen C1997910, MONDO:0016602.

Submission:

Labcorp Genetics (formerly Invitae), Labcorp
Classification: Pathogenic for Citrin deficiency. Last evaluated: 2024-02-25. Review status: criteria provided, single submitter. Criteria: Invitae Variant Classification Sherloc (09022015). Collection method: clinical testing. Allele origin: germline.
Comment: This sequence change creates a premature translational stop signal (p.Gln214*) in the SLC25A13 gene. It is expected to result in an absent or disrupted protein product. Loss-of-function variants in SLC25A13 are known to be pathogenic (PMID: 10369257, 14680984, 27405544). This variant is not present in population databases (gnomAD no frequency). This premature translational stop signal has been observed in individual(s) with citrin deficiency (PMID: 25381944). ClinVar contains an entry for this variant (Variation ID: 1458599). Algorithms developed to predict the effect of sequence changes on RNA splicing suggest that this variant may disrupt the consensus splice site. For these reasons, this variant has been classified as Pathogenic.

Literature cited by the submitters: PubMed 10369257; PubMed 14680984; PubMed 27405544; PubMed 25381944.

NM_014251.3(SLC25A13):c.640C>T (p.Gln214Ter)

Gene: SLC25A13 (solute carrier family 25 member 13; minus strand). Cytogenetic location: 7q21.3.
Variant type: single nucleotide variant.
Coding change: c.640C>T on transcript NM_014251.3 (MANE Select); coding-DNA position 640, C replaced by T.
Protein change: p.Gln214Ter; replaces glutamine 214 with a stop codon.
Molecular consequence: nonsense. On other transcripts: non-coding transcript variant (1).
Genome position (GRCh38, 1-based): chr7:96,191,223, G>A on the plus strand (C>T on the coding strand, the complement: SLC25A13 is on the minus strand). VCF-style: chr7-96191223-G-A. GRCh37 (hg19) VCF-style: chr7-95820535-G-A.
Other names: c.640C>T, p.Gln214Ter (NM_001160210.2); short protein forms Q214*.
Identifiers: ClinVar variation 1458599 (VCV001458599.8), dbSNP rs2116656505, ClinGen allele CA368263200.